The following is an entry in ClinVar:

ClinVar aggregate classification (germline): Uncertain significance (1 of 4 stars; one submission).

Conditions:
Short-rib thoracic dysplasia 11 with or without polydactyly (SRTD11). Also called: SHORT-RIB THORACIC DYSPLASIA 11 WITHOUT POLYDACTYLY. Identifiers: Orphanet 474, Orphanet 93271, MedGen C3810200, MONDO:0014287, OMIM 615633.

Allele frequency attached by ClinVar (database versions not stated): gnomAD exomes below 0.00001.

Submission:

Labcorp Genetics (formerly Invitae), Labcorp
Classification: Uncertain significance for Short-rib thoracic dysplasia 11 with or without polydactyly. Last evaluated: 2020-04-01. Review status: criteria provided, single submitter. Criteria: Invitae Variant Classification Sherloc (09022015). Collection method: clinical testing. Allele origin: germline.
Comment: This variant is not present in population databases (ExAC no frequency). This variant has been observed in individual(s) affected with Jeune syndrome (Invitae). Algorithms developed to predict the effect of missense changes on protein structure and function are either unavailable or do not agree on the potential impact of this missense change (SIFT: "Deleterious"; PolyPhen-2: "Probably Damaging"; Align-GVGD: "Class C0"). In summary, the available evidence is currently insufficient to determine the role of this variant in disease. Therefore, it has been classified as a Variant of Uncertain Significance. This sequence change replaces aspartic acid with glycine at codon 414 of the WDR34 protein (p.Asp414Gly). The aspartic acid residue is highly conserved and there is a moderate physicochemical difference between aspartic acid and glycine.

NM_052844.4(DYNC2I2):c.1241A>G (p.Asp414Gly)

Gene: DYNC2I2 (dynein 2 intermediate chain 2; minus strand). Cytogenetic location: 9q34.11.
Variant type: single nucleotide variant.
Coding change: c.1241A>G on transcript NM_052844.4 (MANE Select); coding-DNA position 1241, A replaced by G.
Protein change: p.Asp414Gly; replaces aspartic acid 414 with glycine.
Molecular consequence: missense variant.
Genome position (GRCh38, 1-based): chr9:128,634,357, T>C on the plus strand (A>G on the coding strand, the complement: DYNC2I2 is on the minus strand). VCF-style: chr9-128634357-T-C. GRCh37 (hg19) VCF-style: chr9-131396636-T-C.
Other names: short protein forms D414G.
Identifiers: ClinVar variation 1055181 (VCV001055181.9), dbSNP rs2132136694, ClinGen allele CA375111088.
Genomic context (GRCh38, chr9:128,634,357, plus strand): 5'-GAGAGCTGCAGCGAAGTCAAGGGAGGGGCCTGCAGCATGGAGTACAGGTGGACATGCCCG[T>C]CAGTCCCAGCGCTCAGGAAGAGATTCCTAGACGGGATGCAGGGGGCCAGGCAAGGGAATC-3'
Protein context (NP_443076.2, residues 404-424): HRNLFLSAGT[Asp414Gly]GHVHLYSMLQ